The following is an entry in ClinVar:

NM_000465.4(BARD1):c.1659del (p.Ala554fs)

Gene: BARD1 (BRCA1 associated RING domain 1; minus strand). Cytogenetic location: 2q35.
Variant type: Deletion.
Coding change: c.1659del on transcript NM_000465.4 (MANE Select); coding-DNA position 1659, one base deleted (A; older notation c.1659delA).
Protein change: p.Ala554fs; shifts the reading frame from alanine 554.
Molecular consequence: frameshift variant. On other transcripts: non-coding transcript variant (3), intron variant (1).
Genome position (GRCh38, 1-based): chr2:214,752,465, T deleted on the plus strand (A on the coding strand, the reverse complement: BARD1 is on the minus strand). VCF-style (leftmost placement, unchanged base first): chr2-214752464-CT-C. GRCh37 (hg19) VCF-style: chr2-215617188-CT-C.
Other names: c.1602del, p.Ala535fs (NM_001282543.2); c.306del, p.Ala103fs (NM_001282545.2); c.249del, p.Ala84fs (NM_001282548.2); c.365-21957del (NM_001282549.2); short protein forms A103fs, A554fs, A84fs, A535fs.
Identifiers: ClinVar variation 1777412 (VCV001777412.2), dbSNP rs2469377723, ClinGen allele CA2580065594.
Genomic context (GRCh38, chr2:214,752,464, plus strand): 5'-TTAATAAAATATATAAATGTCCCAAAGCTAAATCCATACTTACTACTGAGCAGTGGCTAG[CT>C]GAGGATGATTCATTCTTCTCTGGTAGCAGCAATAGCGATTTCATACTTTCATCATCTGTA-3'

ClinVar aggregate classification (germline): Pathogenic (1 of 4 stars; one submission).

Conditions:
Hereditary cancer-predisposing syndrome. Also called: Neoplastic Syndromes, Hereditary; Tumor predisposition; Hereditary Cancer Syndrome; Hereditary neoplastic syndrome. Identifiers: Orphanet 140162, MedGen C0027672, MeSH D009386, MONDO:0015356.

Submission:

Ambry Genetics
Classification: Pathogenic for Hereditary cancer-predisposing syndrome. Last evaluated: 2019-12-27. Review status: criteria provided, single submitter. Criteria: Ambry Variant Classification Scheme 2023. Collection method: clinical testing. Allele origin: germline.
Comment: The c.1659delA pathogenic mutation, located in coding exon 7 of the BARD1 gene, results from a deletion of one nucleotide at nucleotide position 1659, causing a translational frameshift with a predicted alternate stop codon (p.A554Lfs*6). This alteration is expected to result in loss of function by premature protein truncation or nonsense-mediated mRNA decay. As such, this alteration is interpreted as a disease-causing mutation.